The following is an entry in ClinVar:

ClinVar aggregate classification (germline): Conflicting classifications of pathogenicity. Review status: criteria provided, conflicting classifications (1 of 4 stars). 4 submissions from 4 submitters: Uncertain significance (2); Likely benign (2). Last evaluated 2025-10-13.

Conditions:
Cardiovascular phenotype. Identifiers: MedGen CN230736.

Allele frequency attached by ClinVar (database versions not stated): gnomAD 0.00001; TOPMed 0.00003; ExAC 0.00005; gnomAD exomes 0.00005.

Submissions (4):

Labcorp Genetics (formerly Invitae), Labcorp
Classification: Uncertain significance. Last evaluated: 2025-10-13. Review status: criteria provided, single submitter. Criteria: Invitae Variant Classification Sherloc (09022015). Collection method: clinical testing. Allele origin: germline.
Comment: This sequence change replaces proline, which is neutral and non-polar, with leucine, which is neutral and non-polar, at codon 1743 of the ALPK3 protein (p.Pro1743Leu). This variant is present in population databases (rs767340370, gnomAD 0.02%). This variant has not been reported in the literature in individuals affected with ALPK3-related conditions. ClinVar contains an entry for this variant (Variation ID: 1357515). Invitae Evidence Modeling of protein sequence and biophysical properties (such as structural, functional, and spatial information, amino acid conservation, physicochemical variation, residue mobility, and thermodynamic stability) indicates that this missense variant is not expected to disrupt ALPK3 protein function with a negative predictive value of 80%. In summary, the available evidence is currently insufficient to determine the role of this variant in disease. Therefore, it has been classified as a Variant of Uncertain Significance.

Ambry Genetics
Classification: Likely benign for Cardiovascular phenotype. Last evaluated: 2025-06-11. Review status: criteria provided, single submitter. Criteria: Ambry Variant Classification Scheme 2023. Collection method: clinical testing. Allele origin: germline.

Blueprint Genetics
Classification: Likely benign. Last evaluated: 2024-11-25. Review status: criteria provided, single submitter. Criteria: ACMG Guidelines, 2015. Collection method: clinical testing. Allele origin: germline.

GeneDx
Classification: Uncertain significance. Last evaluated: 2023-03-21. Review status: criteria provided, single submitter. Criteria: GeneDx Variant Classification Process June 2021. Collection method: clinical testing. Allele origin: germline. Affected: yes.
Comment: In silico analysis supports that this missense variant does not alter protein structure/function; Has not been previously published as pathogenic or benign to our knowledge

NM_020778.5(ALPK3):c.4622C>T (p.Pro1541Leu)

Gene: ALPK3 (alpha kinase 3; plus strand). Cytogenetic location: 15q25.3.
Variant type: single nucleotide variant.
Coding change: c.4622C>T on transcript NM_020778.5 (MANE Select); coding-DNA position 4622, C replaced by T.
Protein change: p.Pro1541Leu; replaces proline 1541 with leucine.
Molecular consequence: missense variant.
Genome position (GRCh38, 1-based): chr15:84,864,564, C>T. VCF-style: chr15-84864564-C-T. GRCh37 (hg19) VCF-style: chr15-85407795-C-T.
Other names: short protein forms P1541L.
Identifiers: ClinVar variation 1357515 (VCV001357515.10), dbSNP rs767340370, ClinGen allele CA7710039.